The following is an entry in ClinVar:

NM_000059.4(BRCA2):c.3347C>A (p.Thr1116Asn)

Gene: BRCA2 (BRCA2 DNA repair associated; plus strand). Cytogenetic location: 13q13.1.
Variant type: single nucleotide variant.
Coding change: c.3347C>A on transcript NM_000059.4 (MANE Select); coding-DNA position 3347, C replaced by A.
Protein change: p.Thr1116Asn; replaces threonine 1116 with asparagine.
Molecular consequence: missense variant.
Genome position (GRCh38, 1-based): chr13:32,337,702, C>A. VCF-style: chr13-32337702-C-A. GRCh37 (hg19) VCF-style: chr13-32911839-C-A.
Other names: c.3347C>A (NM_000059.3); short protein forms T1116N.
Identifiers: ClinVar variation 1492736 (VCV001492736.13), dbSNP rs2072478227, ClinGen allele CA387776329.

ClinVar aggregate classification (germline): Conflicting classifications of pathogenicity. Review status: criteria provided, conflicting classifications (1 of 4 stars). 5 submissions from 5 submitters: Uncertain significance (4); Likely benign (1). Last evaluated 2025-11-10.

Conditions:
Hereditary cancer-predisposing syndrome. Also called: Tumor predisposition; Hereditary neoplastic syndrome; Neoplastic Syndromes, Hereditary; Hereditary Cancer Syndrome. Identifiers: Orphanet 140162, MedGen C0027672, MeSH D009386, MONDO:0015356.
Hereditary breast ovarian cancer syndrome. Also called: Hereditary breast and ovarian cancer; Hereditary breast and ovarian cancer syndrome; Hereditary breast and/or ovarian cancer syndrome; Hereditary breast and ovarian cancer syndrome (HBOC); Breast and ovarian cancer; BRCA1- and BRCA2-Associated Hereditary Breast and Ovarian Cancer. Identifiers: Orphanet 145, MedGen C0677776, MeSH D061325, MONDO:0003582. Disease mechanism: loss of function.

Submissions (5):

Labcorp Genetics (formerly Invitae), Labcorp
Classification: Uncertain significance for Hereditary breast ovarian cancer syndrome. Last evaluated: 2025-11-10. Review status: criteria provided, single submitter. Criteria: Invitae Variant Classification Sherloc (09022015). Collection method: clinical testing. Allele origin: germline.
Comment: This sequence change replaces threonine, which is neutral and polar, with asparagine, which is neutral and polar, at codon 1116 of the BRCA2 protein (p.Thr1116Asn). This variant is not present in population databases (gnomAD no frequency). This variant has not been reported in the literature in individuals affected with BRCA2-related conditions. ClinVar contains an entry for this variant (Variation ID: 1492736). Invitae Evidence Modeling of protein sequence and biophysical properties (such as structural, functional, and spatial information, amino acid conservation, physicochemical variation, residue mobility, and thermodynamic stability) indicates that this missense variant is not expected to disrupt BRCA2 protein function with a negative predictive value of 95%. In summary, the available evidence is currently insufficient to determine the role of this variant in disease. Therefore, it has been classified as a Variant of Uncertain Significance.

Women's Health and Genetics/Laboratory Corporation of America, LabCorp
Classification: Uncertain significance. Last evaluated: 2024-10-05. Review status: criteria provided, single submitter. Criteria: LabCorp Variant Classification Summary - May 2015. Collection method: clinical testing. Allele origin: germline.

GeneDx
Classification: Uncertain significance. Last evaluated: 2023-07-05. Review status: criteria provided, single submitter. Criteria: GeneDx Variant Classification Process June 2021. Collection method: clinical testing. Allele origin: germline. Affected: yes.
Comment: Not observed at significant frequency in large population cohorts (gnomAD); In silico analysis supports that this missense variant has a deleterious effect on protein structure/function; Has not been previously published as pathogenic or benign to our knowledge; Also known as 3575C>A; This variant is associated with the following publications: (PMID: 31911673)

University of Washington Department of Laboratory Medicine, University of Washington
Classification: Likely benign for Hereditary cancer-predisposing syndrome. Last evaluated: 2023-03-23. Review status: criteria provided, single submitter. Criteria: Dines et al. (Genet Med. 2020). Collection method: curation. Allele origin: germline.
Comment: Missense variant in a coldspot region where missense variants are very unlikely to be pathogenic (PMID:31911673).

BRCA2 exon 11 coldspot. Reclassification based on statistical prior probability.

Quest Diagnostics Nichols Institute San Juan Capistrano
Classification: Uncertain significance. Last evaluated: 2022-12-09. Review status: criteria provided, single submitter. Criteria: Quest Diagnostics criteria. Collection method: clinical testing. Allele origin: unknown.
Comment: The variant has not been reported in the published literature. It also has not been reported in large, multi-ethnic general populations. Analysis of this variant using bioinformatics tools for the prediction of the effect of amino acid changes on protein structure and function yielded predictions that this variant is benign. Based on the available information, we are unable to determine the clinical significance of this variant.